The following is an entry in ClinVar:

ClinVar aggregate classification (germline): Uncertain significance. Review status: criteria provided, multiple submitters, no conflicts (2 of 4 stars). 4 submissions from 4 submitters: Uncertain significance (4). Last evaluated 2024-04-12.

Conditions:
Hereditary spastic paraplegia 11. Also called: Nakamura Osame syndrome; Autosomal recessive hereditary spastic paraplegia, mental impairment, and thin corpus callosum; Spastic Paraplegia 11; Spastic paraplegia, mental retardation and thin corpus callosum; SPASTIC PARAPLEGIA, AUTOSOMAL RECESSIVE, COMPLICATED, WITH THIN CORPUS CALLOSUM; SPASTIC PARAPLEGIA, AUTOSOMAL RECESSIVE, WITH MENTAL IMPAIRMENT AND THIN CORPUS CALLOSUM. Identifiers: Orphanet 2822, MedGen C1858479, MONDO:0011445, OMIM 604360.
Inborn genetic diseases. Identifiers: MedGen C0950123, MeSH D030342.

Allele frequency attached by ClinVar (database versions not stated): gnomAD 0.00001; TOPMed 0.00002.
gnomAD v4.1: 107 of 1,614,112 alleles (0.0066%); highest among the groups gnomAD compares: Non-Finnish European, 0.0087%; no homozygotes.

Submissions (4):

Mayo Clinic Laboratories, Mayo Clinic
Classification: Uncertain significance. Last evaluated: 2024-04-12. Review status: criteria provided, single submitter. Criteria: ACMG Guidelines, 2015. Collection method: clinical testing. Allele origin: germline. Observed: 1 variant allele.

Women's Health and Genetics/Laboratory Corporation of America, LabCorp
Classification: Uncertain significance. Last evaluated: 2024-02-28. Review status: criteria provided, single submitter. Criteria: LabCorp Variant Classification Summary - May 2015. Collection method: clinical testing. Allele origin: germline.
Comment: Variant summary: SPG11 c.5489G>A (p.Gly1830Asp) results in a non-conservative amino acid change in the encoded protein sequence. Five of five in-silico tools predict a damaging effect of the variant on protein function. The variant allele was found at a frequency of 2e-05 in 251440 control chromosomes. The available data on variant occurrences in the general population are insufficient to allow any conclusion about variant significance. To our knowledge, no occurrence of c.5489G>A in individuals affected with Hereditary Spastic Paraplegia, Type 11 and no experimental evidence demonstrating its impact on protein function have been reported. ClinVar contains an entry for this variant (Variation ID: 1025248). Based on the evidence outlined above, the variant was classified as uncertain significance.

Ambry Genetics
Classification: Uncertain significance for Inborn genetic diseases. Last evaluated: 2023-08-29. Review status: criteria provided, single submitter. Criteria: Ambry Variant Classification Scheme 2023. Collection method: clinical testing. Allele origin: germline.

Labcorp Genetics (formerly Invitae), Labcorp
Classification: Uncertain significance for Hereditary spastic paraplegia 11. Last evaluated: 2021-10-28. Review status: criteria provided, single submitter. Criteria: Invitae Variant Classification Sherloc (09022015). Collection method: clinical testing. Allele origin: germline.
Comment: This sequence change replaces glycine, which is neutral and non-polar, with aspartic acid, which is acidic and polar, at codon 1830 of the SPG11 protein (p.Gly1830Asp). This variant is present in population databases (rs529748787, gnomAD 0.006%). This variant has not been reported in the literature in individuals affected with SPG11-related conditions. ClinVar contains an entry for this variant (Variation ID: 1025248). Algorithms developed to predict the effect of missense changes on protein structure and function are either unavailable or do not agree on the potential impact of this missense change (SIFT: "Tolerated"; PolyPhen-2: "Possibly Damaging"; Align-GVGD: "Class C0"). In summary, the available evidence is currently insufficient to determine the role of this variant in disease. Therefore, it has been classified as a Variant of Uncertain Significance.

NM_025137.4(SPG11):c.5489G>A (p.Gly1830Asp)

Gene: SPG11 (SPG11 vesicle trafficking associated, spatacsin; minus strand). Cytogenetic location: 15q21.1.
Variant type: single nucleotide variant.
Coding change: c.5489G>A on transcript NM_025137.4 (MANE Select); coding-DNA position 5489, G replaced by A.
Protein change: p.Gly1830Asp; replaces glycine 1830 with aspartic acid.
Molecular consequence: missense variant.
Genome position (GRCh38, 1-based): chr15:44,584,191, C>T on the plus strand (G>A on the coding strand, the complement: SPG11 is on the minus strand). VCF-style: chr15-44584191-C-T. GRCh37 (hg19) VCF-style: chr15-44876389-C-T.
Other names: p.Gly1830Asp; c.5489G>A (NM_025137.3); c.5489G>A, p.Gly1830Asp (NM_001160227.2); short protein forms G1830D.
Identifiers: ClinVar variation 1025248 (VCV001025248.8), dbSNP rs529748787, ClinGen allele CA7534399.